The following is an entry in ClinVar:

ClinVar aggregate classification (germline): Benign/Likely benign. Review status: criteria provided, multiple submitters, no conflicts (2 of 4 stars). 4 submissions from 4 submitters: Benign (1); Likely benign (2). 1 of the submissions does not count toward it. Last evaluated 2018-07-09.

Conditions:
Mucolipidosis type IV (ML4). Also called: ML IV. Identifiers: Orphanet 578, MedGen C0238286, MONDO:0009653, OMIM 252650.

Allele frequency attached by ClinVar (database versions not stated): gnomAD exomes 0.00864; gnomAD 0.01482 and 0.01569; TOPMed 0.02608; 1000 Genomes Project 0.03195; 1000 Genomes Project 30x 0.03357.
gnomAD v4.1: 14,236 of 1,523,268 alleles (0.93%); highest among the groups gnomAD compares: Admixed American, 18%; 1,187 homozygotes.

Submissions (4):

GeneDx
Classification: Likely benign. Last evaluated: 2018-07-09. Review status: criteria provided, single submitter. Criteria: GeneDx Variant Classification Process June 2021. Collection method: clinical testing. Allele origin: germline. Affected: yes.

Women's Health and Genetics/Laboratory Corporation of America, LabCorp
Classification: Benign. Last evaluated: 2017-08-14. Review status: criteria provided, single submitter. Criteria: LabCorp Variant Classification Summary - May 2015. Collection method: clinical testing. Allele origin: germline.
Comment: Variant summary: The MCOLN1 c.777+99G>A variant involves the alteration of a non-conserved intronic nucleotide. One in silico tool predicts a benign outcome for this variant. 5/5 splice prediction tools predict that this variant strengthen a cryptic 5' splicing donor site. However, these predictions have yet to be confirmed by functional studies. This variant was found in 313/30922 control chromosomes (26 homozygotes), predominantly observed in the Latino subpopulation at a frequency of 0.184964 (155/838). This frequency is about 60 times the estimated maximal expected allele frequency of a pathogenic MCOLN1 variant (0.0030619), suggesting this is likely a benign polymorphism found primarily in the populations of Latino origin. Taken together, this variant is classified as benign.

Breakthrough Genomics
Classification: Likely benign. Review status: criteria provided, single submitter. Criteria: ACMG Guidelines, 2015. Collection method: not provided. Allele origin: germline. Inheritance: Autosomal recessive inheritance. Affected: yes.

Natera, Inc.
Classification: Benign for Mucolipidosis type IV. Last evaluated: 2020-09-16. Review status: no assertion criteria provided. Collection method: clinical testing. Allele origin: germline. Not counted in ClinVar's aggregate classification.

NM_020533.3(MCOLN1):c.777+99G>A

Gene: MCOLN1 (mucolipin TRP cation channel 1; plus strand). Cytogenetic location: 19p13.2.
Variant type: single nucleotide variant.
Coding change: c.777+99G>A on transcript NM_020533.3 (MANE Select); 99 bases into the intron after coding-DNA position 777, G replaced by A.
Molecular consequence: intron variant.
Genome position (GRCh38, 1-based): chr19:7,528,059, G>A. VCF-style: chr19-7528059-G-A. GRCh37 (hg19) VCF-style: chr19-7592945-G-A.
Other names: c.778-99G>A (NM_020533.3).
Identifiers: ClinVar variation 496447 (VCV000496447.5), dbSNP rs12462124, ClinGen allele CA304853754.
Genomic context (GRCh38, chr19:7,528,059, plus strand): 5'-AGGGCAGGGACCTGGTCAGGGAGTGTCTTGGGAGCACTGGCCAAGGGCAAGCGTGCGGGT[G>A]ATGAGGGAGGGAGCCCGGGGTCTGTCAGGCCACCTGTCATGTGGACCTTGGGGCTTGGGG-3'